The following is an entry in ClinVar:

NM_007055.4(POLR3A):c.4036T>A (p.Cys1346Ser)

Gene: POLR3A (RNA polymerase III subunit A; minus strand). Cytogenetic location: 10q22.3.
Variant type: single nucleotide variant.
Coding change: c.4036T>A on transcript NM_007055.4 (MANE Select); coding-DNA position 4036, T replaced by A.
Protein change: p.Cys1346Ser; replaces cysteine 1346 with serine.
Molecular consequence: missense variant.
Genome position (GRCh38, 1-based): chr10:77,977,615, A>T on the plus strand (T>A on the coding strand, the complement: POLR3A is on the minus strand). VCF-style: chr10-77977615-A-T. GRCh37 (hg19) VCF-style: chr10-79737373-A-T.
Other names: c.4036T>A (NM_007055.3); short protein forms C1346S.
Identifiers: ClinVar variation 1379149 (VCV001379149.7), dbSNP rs149956037, ClinGen allele CA5570610.
Genomic context (GRCh38, chr10:77,977,615, plus strand): 5'-CCTTGTGAAGCAGCTTGAAGAGCCCGGTTCCAATGTTCATTGGGATTCCCATGATGATGC[A>T]CTCAGACACCCCTGAAACCAACCAGAATGAACATCAGAGAGCCTCTAAACACAAGGTACA-3'
Protein context (NP_008986.2, residues 1336-1356): QKDSVCGVSE[Cys1346Ser]IIMGIPMNIG

ClinVar aggregate classification (germline): Uncertain significance. Review status: criteria provided, multiple submitters, no conflicts (2 of 4 stars). 2 submissions from 2 submitters: Uncertain significance (2). Last evaluated 2025-02-27.

Conditions:
Inborn genetic diseases. Identifiers: MedGen C0950123, MeSH D030342.

Allele frequency attached by ClinVar (database versions not stated): ExAC 0.00005; gnomAD 0.00005; TOPMed 0.00006; gnomAD exomes 0.00007 and 0.00008; 1000 Genomes Project 0.00020; 1000 Genomes Project 30x 0.00031.
gnomAD v4.1: 115 of 1,613,714 alleles (0.0071%); highest among the groups gnomAD compares: Admixed American, 0.022%; no homozygotes.

Submissions (2):

Ambry Genetics
Classification: Uncertain significance for Inborn genetic diseases. Last evaluated: 2025-02-27. Review status: criteria provided, single submitter. Criteria: Ambry Variant Classification Scheme 2023. Collection method: clinical testing. Allele origin: germline.

Labcorp Genetics (formerly Invitae), Labcorp
Classification: Uncertain significance. Last evaluated: 2022-08-09. Review status: criteria provided, single submitter. Criteria: Invitae Variant Classification Sherloc (09022015). Collection method: clinical testing. Allele origin: germline.
Comment: This sequence change replaces cysteine, which is neutral and slightly polar, with serine, which is neutral and polar, at codon 1346 of the POLR3A protein (p.Cys1346Ser). This variant is present in population databases (rs149956037, gnomAD 0.01%). This variant has not been reported in the literature in individuals affected with POLR3A-related conditions. ClinVar contains an entry for this variant (Variation ID: 1379149). Algorithms developed to predict the effect of missense changes on protein structure and function (SIFT, PolyPhen-2, Align-GVGD) all suggest that this variant is likely to be tolerated. In summary, the available evidence is currently insufficient to determine the role of this variant in disease. Therefore, it has been classified as a Variant of Uncertain Significance.